The following is an entry in ClinVar:

NM_000038.6(APC):c.2080G>T (p.Asp694Tyr)

Gene: APC (APC regulator of Wnt signaling pathway; plus strand). Cytogenetic location: 5q22.2.
Variant type: single nucleotide variant.
Coding change: c.2080G>T on transcript NM_000038.6 (MANE Select); coding-DNA position 2080, G replaced by T.
Protein change: p.Asp694Tyr; replaces aspartic acid 694 with tyrosine.
Molecular consequence: missense variant. On other transcripts: non-coding transcript variant (2).
Genome position (GRCh38, 1-based): chr5:112,837,674, G>T. VCF-style: chr5-112837674-G-T. GRCh37 (hg19) VCF-style: chr5-112173371-G-T.
Other names: c.2050G>T, p.Asp684Tyr (NM_001407452.1); c.1903G>T, p.Asp635Tyr (NM_001407453.1, NM_001354901.2); c.1831G>T, p.Asp611Tyr (NM_001407454.1, NM_001407455.1, NM_001407456.1 and 1 more transcripts); c.1777G>T, p.Asp593Tyr (NM_001407458.1, NM_001407459.1, NM_001407460.1 and 1 more transcripts); c.1693G>T, p.Asp565Tyr (NM_001407467.1, NM_001407469.1); c.2080G>T, p.Asp694Tyr (NM_001127510.3, NM_001354895.2, NM_001407450.1); c.2026G>T, p.Asp676Tyr (NM_001127511.3); c.2134G>T, p.Asp712Tyr (NM_001354896.2, NM_001407447.1, NM_001407448.1 and 1 more transcripts); and 11 more; short protein forms D565Y, D666Y, D684Y, D687Y, D712Y, D310Y, D411Y, D534Y.
Identifiers: ClinVar variation 4825063 (VCV004825063.1).

ClinVar aggregate classification (germline): Uncertain significance (1 of 4 stars; one submission).

Conditions:
Hereditary cancer-predisposing syndrome. Also called: Neoplastic Syndromes, Hereditary; Tumor predisposition; Hereditary Cancer Syndrome; Hereditary neoplastic syndrome. Identifiers: Orphanet 140162, MedGen C0027672, MeSH D009386, MONDO:0015356.

Submission:

Ambry Genetics
Classification: Uncertain significance for Hereditary cancer-predisposing syndrome. Last evaluated: 2026-02-20. Review status: criteria provided, single submitter. Criteria: Ambry Variant Classification Scheme 2023. Collection method: clinical testing. Allele origin: germline.
Comment: The p.D694Y variant (also known as c.2080G>T), located in coding exon 15 of the APC gene, results from a G to T substitution at nucleotide position 2080. The aspartic acid at codon 694 is replaced by tyrosine, an amino acid with highly dissimilar properties. This amino acid position is conserved. In addition, in silico predictors for this gene do not accurately predict pathogenicity. Based on the available evidence, the clinical significance of this variant remains unclear.